The following is an entry in ClinVar:

ClinVar aggregate classification (germline): Conflicting classifications of pathogenicity. Review status: criteria provided, conflicting classifications (1 of 4 stars). 4 submissions from 4 submitters: Uncertain significance (1); Likely benign (3). Last evaluated 2026-04-15.

Conditions:
Inborn genetic diseases. Identifiers: MedGen C0950123, MeSH D030342.
UNC45A-related disorder. Also called: UNC45A-related condition.

Allele frequency attached by ClinVar (database versions not stated): gnomAD exomes 0.00025; ExAC 0.00027; 1000 Genomes Project 30x 0.00031; ESP Exome Variant Server 0.00054; TOPMed 0.00091.
gnomAD v4.1: 366 of 1,613,634 alleles (0.023%); highest among the groups gnomAD compares: African/African-American, 0.24%; no homozygotes.

Submissions (4):

PreventionGenetics, part of Exact Sciences
Classification: Likely benign for UNC45A-related condition. Last evaluated: 2026-04-15. Review status: criteria provided, single submitter. Criteria: ACMG Guidelines, 2015. Collection method: clinical testing. Allele origin: germline.
Comment: This variant is classified as likely benign based on ACMG/AMP sequence variant interpretation guidelines (Richards et al. 2015 PMID: 25741868, with internal and published modifications).

Labcorp Genetics (formerly Invitae), Labcorp
Classification: Likely benign. Last evaluated: 2025-12-28. Review status: criteria provided, single submitter. Criteria: Invitae Variant Classification Sherloc (09022015). Collection method: clinical testing. Allele origin: germline.

Ambry Genetics
Classification: Uncertain significance for Inborn genetic diseases. Last evaluated: 2022-04-22. Review status: criteria provided, single submitter. Criteria: Ambry Variant Classification Scheme 2023. Collection method: clinical testing. Allele origin: germline.

Breakthrough Genomics
Classification: Likely benign. Review status: criteria provided, single submitter. Criteria: ACMG Guidelines, 2015. Collection method: not provided. Allele origin: germline. Inheritance: Autosomal recessive inheritance. Affected: yes.

NM_018671.5(UNC45A):c.538G>A (p.Val180Met)

Gene: UNC45A (unc-45 myosin chaperone A; plus strand). Cytogenetic location: 15q26.1.
Variant type: single nucleotide variant.
Coding change: c.538G>A on transcript NM_018671.5 (MANE Select); coding-DNA position 538, G replaced by A.
Protein change: p.Val180Met; replaces valine 180 with methionine.
Molecular consequence: missense variant.
Genome position (GRCh38, 1-based): chr15:90,940,324, G>A. VCF-style: chr15-90940324-G-A. GRCh37 (hg19) VCF-style: chr15-91483554-G-A.
Other names: c.538G>A (NM_018671.3); c.493G>A, p.Val165Met (NM_001039675.2, NM_001323621.2); c.538G>A, p.Val180Met (NM_001323619.1); c.103G>A, p.Val35Met (NM_001323620.2); short protein forms V165M, V180M, V35M.
Identifiers: ClinVar variation 1595670 (VCV001595670.10), dbSNP rs139155515, ClinGen allele CA7742584.